The following is an entry in ClinVar:

ClinVar aggregate classification (germline): Benign/Likely benign. Review status: criteria provided, multiple submitters, no conflicts (2 of 4 stars). 4 submissions from 4 submitters: Benign (1); Likely benign (2). 1 of the submissions does not count toward it. Last evaluated 2026-01-31.

Conditions:
Deficiency of hyaluronoglucosaminidase (MPS9). Also called: MPS IX; HYALURONIDASE DEFICIENCY; Mucopolysaccharidosis type 9. Identifiers: Orphanet 67041, MedGen C1291490, MONDO:0011093, OMIM 601492.

Allele frequency attached by ClinVar (database versions not stated): gnomAD exomes 0.00245; ExAC 0.00321; 1000 Genomes Project 0.00839; 1000 Genomes Project 30x 0.00859; gnomAD 0.00979 and 0.01054; TOPMed 0.01152; ESP Exome Variant Server 0.01169.
gnomAD v4.1: 2,955 of 1,614,088 alleles (0.18%); highest among the groups gnomAD compares: African/African-American, 3.6%; 42 homozygotes.

Submissions (4):

Labcorp Genetics (formerly Invitae), Labcorp
Classification: Benign for Deficiency of hyaluronoglucosaminidase. Last evaluated: 2026-01-31. Review status: criteria provided, single submitter. Criteria: Invitae Variant Classification Sherloc (09022015). Collection method: clinical testing. Allele origin: germline.

Illumina Laboratory Services, Illumina
Classification: Likely benign for Deficiency of hyaluronoglucosaminidase. Last evaluated: 2017-04-28. Review status: criteria provided, single submitter. Criteria: ICSL Variant Classification Criteria 13 December 2019. Collection method: clinical testing. Allele origin: germline.
Comment: This variant was observed as part of a predisposition screen in an ostensibly healthy population. A literature search was performed for the gene, cDNA change, and amino acid change (where applicable). No publications were found based on this search. Allele frequency data from public databases allowed determination this variant is unlikely to cause disease. Therefore, this variant is classified as likely benign.

Breakthrough Genomics
Classification: Likely benign. Review status: criteria provided, single submitter. Criteria: ACMG Guidelines, 2015. Collection method: not provided. Allele origin: germline. Inheritance: Autosomal recessive inheritance. Affected: yes.

Natera, Inc.
Classification: Benign for Mucopolysaccharidosis type IX. Last evaluated: 2020-09-16. Review status: no assertion criteria provided. Collection method: clinical testing. Allele origin: germline. Not counted in ClinVar's aggregate classification.

NM_033159.4(HYAL1):c.270G>C (p.Glu90Asp)

Gene: HYAL1 (hyaluronidase 1; minus strand). Cytogenetic location: 3p21.31.
Variant type: single nucleotide variant.
Coding change: c.270G>C on transcript NM_033159.4 (MANE Select); coding-DNA position 270, G replaced by C.
Protein change: p.Glu90Asp; replaces glutamic acid 90 with aspartic acid.
Molecular consequence: missense variant. On other transcripts: non-coding transcript variant (1), intron variant (2).
Genome position (GRCh38, 1-based): chr3:50,302,687, C>G on the plus strand (G>C on the coding strand, the complement: HYAL1 is on the minus strand). VCF-style: chr3-50302687-C-G. GRCh37 (hg19) VCF-style: chr3-50340118-C-G.
Other names: c.270G>C, p.Glu90Asp (NM_153281.2, NM_153282.3); c.-26-482G>C (NM_153285.3); c.-213-64G>C (NM_153283.3); short protein forms E90D.
Identifiers: ClinVar variation 346089 (VCV000346089.16), dbSNP rs74342080, ClinGen allele CA2415982.